The following is an entry in ClinVar:

NM_001017980.4(VMA21):c.*6A>G

Gene: VMA21 (vacuolar ATPase assembly factor VMA21; plus strand). Cytogenetic location: Xq28.
Variant type: single nucleotide variant.
Coding change: c.*6A>G on transcript NM_001017980.4 (MANE Select); 6 bases downstream of the stop codon, A replaced by G.
Molecular consequence: 3 prime UTR variant.
Genome position (GRCh38, 1-based): chrX:151,405,064, A>G. VCF-style: chrX-151405064-A-G. GRCh37 (hg19) VCF-style: chrX-150573536-A-G.
Other names: TER+6, A-G; c.*6A>G (NM_001363810.1).
Identifiers: ClinVar variation 208803 (VCV000208803.13), dbSNP rs878854355, ClinGen allele CA10575765.

ClinVar aggregate classification (germline): Conflicting classifications of pathogenicity. Review status: criteria provided, conflicting classifications (1 of 4 stars). 3 submissions from 3 submitters: Pathogenic (1); Uncertain significance (1). 1 of the submissions does not count toward it. Last evaluated 2026-01-07.

Conditions:
X-linked myopathy with excessive autophagy (AVM). Also called: Vacuolar myopathy; Autophagic vacuolar myopathy. Identifiers: Orphanet 25980, MedGen C1839615, MONDO:0010684, OMIM 310440.

Submissions (3):

Labcorp Genetics (formerly Invitae), Labcorp
Classification: Pathogenic for X-linked myopathy with excessive autophagy. Last evaluated: 2026-01-07. Review status: criteria provided, single submitter. Criteria: Invitae Variant Classification Sherloc (09022015). Collection method: clinical testing. Allele origin: germline.
Comment: This variant occurs in a non-coding region of the VMA21 gene. It does not change the encoded amino acid sequence of the VMA21 protein. This variant is not present in population databases (gnomAD no frequency). This variant has been observed in individuals with X-linked myopathy with excessive autophagy (XMEA) (PMID: 23315026). ClinVar contains an entry for this variant (Variation ID: 208803). Algorithms developed to predict the effect of variants on gene product structure and function are not available or were not evaluated for this variant. Experimental studies are conflicting or provide insufficient evidence to determine the effect of this variant on VMA21 function (PMID: 23315026). Algorithms developed to predict the effect of sequence changes on RNA splicing suggest that this variant may create or strengthen a splice site. For these reasons, this variant has been classified as Pathogenic.

Revvity Omics, Revvity
Classification: Uncertain significance for X-linked myopathy with excessive autophagy. Last evaluated: 2024-12-12. Review status: criteria provided, single submitter. Criteria: ACMG Guidelines, 2015. Collection method: clinical testing. Allele origin: germline.

OMIM
Classification: Pathogenic for MYOPATHY, X-LINKED, WITH EXCESSIVE AUTOPHAGY. Last evaluated: 2013-03-01. Review status: no assertion criteria provided. Collection method: literature only. Allele origin: germline. Not counted in ClinVar's aggregate classification.

Literature cited by the submitters: PubMed 23315026 (cited by Labcorp Genetics (formerly Invitae), Labcorp and OMIM).